The following is an entry in ClinVar:

NM_000069.3(CACNA1S):c.3113G>T (p.Arg1038Leu)

Gene: CACNA1S (calcium voltage-gated channel subunit alpha1 S; minus strand). Cytogenetic location: 1q32.1.
Variant type: single nucleotide variant.
Coding change: c.3113G>T on transcript NM_000069.3 (MANE Select); coding-DNA position 3113, G replaced by T.
Protein change: p.Arg1038Leu; replaces arginine 1038 with leucine.
Molecular consequence: missense variant.
Genome position (GRCh38, 1-based): chr1:201,061,409, C>A on the plus strand (G>T on the coding strand, the complement: CACNA1S is on the minus strand). VCF-style: chr1-201061409-C-A. GRCh37 (hg19) VCF-style: chr1-201030537-C-A.
Other names: short protein forms R1038L.
Identifiers: ClinVar variation 960224 (VCV000960224.14), dbSNP rs774884290, ClinGen allele CA079554.
Genomic context (GRCh38, chr1:201,061,409, plus strand): 5'-TTCATCATGAAGAAGGCAATGAGGATGATGTAGATGATGAAGAAGATGGCCATCTCCACA[C>A]GGTTGTTGTAGATGGGACCCACGTCCTCCGCATTGGAGTCTATGGCCTTGTACAGCAGCC-3'
Protein context (NP_000060.2, residues 1028-1048): AEDVGPIYNN[Arg1038Leu]VEMAIFFIIY

ClinVar aggregate classification (germline): Uncertain significance. Review status: criteria provided, multiple submitters, no conflicts (2 of 4 stars). 5 submissions from 5 submitters: Uncertain significance (5). Last evaluated 2026-01-30.

Conditions:
CACNA1S-related disorder. Also called: CACNA1S-related condition.
Hypokalemic periodic paralysis, type 1. Also called: HypoPP; Hypokalemic Periodic Paralysis Type 1 (AD). Identifiers: Orphanet 681, MedGen C3714580, MONDO:0042979, OMIM 170400.
Malignant hyperthermia, susceptibility to, 5 (MHS5). Also called: CACNA1S-Related Malignant Hyperthermia Susceptibility. Identifiers: Orphanet 423, MedGen C1866077, MONDO:0011163, OMIM 601887.
Inborn genetic diseases. Identifiers: MedGen C0950123, MeSH D030342.

Allele frequency attached by ClinVar (database versions not stated): TOPMed 0.00001.
gnomAD v4.1: 12 of 1,614,030 alleles (0.00074%); highest among the groups gnomAD compares: Admixed American, 0.0017%; no homozygotes.

Submissions (5):

GeneDx
Classification: Uncertain significance. Last evaluated: 2026-01-30. Review status: criteria provided, single submitter. Criteria: GeneDx Variant Classification Process June 2021. Collection method: clinical testing. Allele origin: germline.
Comment: Not observed at significant frequency in large population cohorts (gnomAD); In silico analysis supports that this missense variant has a deleterious effect on protein structure/function; Has not been previously published as pathogenic or benign to our knowledge

PreventionGenetics, part of Exact Sciences
Classification: Uncertain significance for CACNA1S-related condition. Last evaluated: 2026-01-22. Review status: criteria provided, single submitter. Criteria: ACMG Guidelines, 2015. Collection method: clinical testing. Allele origin: germline.
Comment: The CACNA1S c.3113G>T variant is predicted to result in the amino acid substitution p.Arg1038Leu. To our knowledge, this variant has not been reported in the literature. This variant is reported in 0.0029% of alleles in individuals of Latino descent in gnomAD. At this time, the clinical significance of this variant is uncertain due to the absence of conclusive functional and genetic evidence.

Ambry Genetics
Classification: Uncertain significance for Inborn genetic diseases. Last evaluated: 2025-01-21. Review status: criteria provided, single submitter. Criteria: Ambry Variant Classification Scheme 2023. Collection method: clinical testing. Allele origin: germline.

Color Diagnostics, LLC DBA Color Health
Classification: Uncertain significance for Malignant hyperthermia, susceptibility to, 5. Last evaluated: 2023-11-29. Review status: criteria provided, single submitter. Criteria: ACMG Guidelines, 2015. Collection method: clinical testing. Allele origin: germline.
Comment: This missense variant replaces arginine with leucine at codon 1038 of the CACNA1S protein. Computational prediction suggests that this variant may have deleterious impact on protein structure and function. To our knowledge, functional studies have not been reported for this variant. This variant has not been reported in individuals affected with CACNA1S-related disorders in the literature. This variant has been identified in 3/251460 chromosomes in the general population by the Genome Aggregation Database (gnomAD). The available evidence is insufficient to determine the role of this variant in disease conclusively. Therefore, this variant is classified as a Variant of Uncertain Significance.

Labcorp Genetics (formerly Invitae), Labcorp
Classification: Uncertain significance for Hypokalemic periodic paralysis, type 1; Malignant hyperthermia, susceptibility to, 5. Last evaluated: 2023-04-24. Review status: criteria provided, single submitter. Criteria: Invitae Variant Classification Sherloc (09022015). Collection method: clinical testing. Allele origin: germline.
Comment: This variant has not been reported in the literature in individuals affected with CACNA1S-related conditions. ClinVar contains an entry for this variant (Variation ID: 960224). Advanced modeling of protein sequence and biophysical properties (such as structural, functional, and spatial information, amino acid conservation, physicochemical variation, residue mobility, and thermodynamic stability) performed at Invitae indicates that this missense variant is expected to disrupt CACNA1S protein function. In summary, the available evidence is currently insufficient to determine the role of this variant in disease. Therefore, it has been classified as a Variant of Uncertain Significance. This sequence change replaces arginine, which is basic and polar, with leucine, which is neutral and non-polar, at codon 1038 of the CACNA1S protein (p.Arg1038Leu). This variant is present in population databases (rs774884290, gnomAD 0.003%).